The following is an entry in ClinVar:

NM_032638.5(GATA2):c.479C>G (p.Thr160Ser)

Gene: GATA2 (GATA binding protein 2; minus strand). Cytogenetic location: 3q21.3.
Variant type: single nucleotide variant.
Coding change: c.479C>G on transcript NM_032638.5 (MANE Select); coding-DNA position 479, C replaced by G.
Protein change: p.Thr160Ser; replaces threonine 160 with serine.
Molecular consequence: missense variant.
Genome position (GRCh38, 1-based): chr3:128,486,119, G>C on the plus strand (C>G on the coding strand, the complement: GATA2 is on the minus strand). VCF-style: chr3-128486119-G-C. GRCh37 (hg19) VCF-style: chr3-128204962-G-C.
Other names: c.479C>G, p.Thr160Ser (NM_001145661.2, NM_001145662.1); c.479C>G (NM_032638.4); short protein forms T160S.
Identifiers: ClinVar variation 1051776 (VCV001051776.11), dbSNP rs751621459, ClinGen allele CA354406671.

ClinVar aggregate classification (germline): Uncertain significance. Review status: criteria provided, multiple submitters, no conflicts (2 of 4 stars). 3 submissions from 3 submitters: Uncertain significance (3). Last evaluated 2026-02-26.

Conditions:
Deafness-lymphedema-leukemia syndrome. Also called: Lymphedema, primary, with myelodysplasia; Emberger syndrome. Identifiers: Orphanet 3226, MedGen C3279664, MONDO:0013540, OMIM 614038.
Monocytopenia with susceptibility to infections. Also called: MONOCYTOPENIA AND MYCOBACTERIAL INFECTION SYNDROME; MONOCYTOPENIA WITH SUSCEPTIBILITY TO MYCOBACTERIAL, FUNGAL, AND PAPILLOMAVIRUS INFECTIONS AND MYELODYSPLASIA; COMBINED IMMUNODEFICIENCY WITH SUSCEPTIBILITY TO MYCOBACTERIAL, VIRAL, AND FUNGAL INFECTIONS; Dendritic cell, monocyte, B lymphocyte, and natural killer lymphocyte deficiency; IMMUNODEFICIENCY 21; GATA2 DEFICIENCY. Identifiers: Orphanet 228423, MedGen C3280030, MONDO:0013607, OMIM 614172.
Inborn genetic diseases. Identifiers: MedGen C0950123, MeSH D030342.
Acute myeloid leukemia (AML). Also called: Leukemia, acute myeloid, somatic; Leukemia, acute myelogenous, somatic; Acute myeloid leukemia, adult; AML adult; Acute non-lymphocytic leukemia; Acute granulocytic leukemia. Identifiers: Orphanet 519, MedGen C0023467, MeSH D015470, MONDO:0018874, OMIM 601626, HP:0004808. Disease mechanism: Constitutively activated FLT3.
Myelodysplastic syndrome (MDS). Also called: MYELODYSPLASTIC SYNDROME, SUSCEPTIBILITY TO; Myelodysplastic syndrome, somatic; Myelodysplastic syndromes. Identifiers: Orphanet 52688, MedGen C3463824, MeSH D009190, MONDO:0018881, OMIM 614286.

gnomAD v4.1: 9 of 1,611,646 alleles (0.00056%); highest among the groups gnomAD compares: African/African-American, 0.0013%; no homozygotes.

Submissions (3):

Ambry Genetics
Classification: Uncertain significance for Inborn genetic diseases. Last evaluated: 2026-02-26. Review status: criteria provided, single submitter. Criteria: Ambry Variant Classification Scheme 2023. Collection method: clinical testing. Allele origin: germline.
Comment: The p.T160S variant (also known as c.479C>G), located in coding exon 2 of the GATA2 gene, results from a C to G substitution at nucleotide position 479. The threonine at codon 160 is replaced by serine, an amino acid with similar properties. This amino acid position is well conserved in available vertebrate species. In addition, the in silico prediction for this alteration is inconclusive. Based on the available evidence, the clinical significance of this variant remains unclear.

Labcorp Genetics (formerly Invitae), Labcorp
Classification: Uncertain significance for Monocytopenia with susceptibility to infections; Deafness-lymphedema-leukemia syndrome. Last evaluated: 2025-09-28. Review status: criteria provided, single submitter. Criteria: Invitae Variant Classification Sherloc (09022015). Collection method: clinical testing. Allele origin: germline.
Comment: This sequence change replaces threonine, which is neutral and polar, with serine, which is neutral and polar, at codon 160 of the GATA2 protein (p.Thr160Ser). This variant is not present in population databases (gnomAD no frequency). This variant has not been reported in the literature in individuals affected with GATA2-related conditions. ClinVar contains an entry for this variant (Variation ID: 1051776). Invitae Evidence Modeling of protein sequence and biophysical properties (such as structural, functional, and spatial information, amino acid conservation, physicochemical variation, residue mobility, and thermodynamic stability) indicates that this missense variant is not expected to disrupt GATA2 protein function with a negative predictive value of 95%. RNA analysis performed to evaluate the impact of this missense change on mRNA splicing indicates it does not significantly alter splicing (internal data). In summary, the available evidence is currently insufficient to determine the role of this variant in disease. Therefore, it has been classified as a Variant of Uncertain Significance.

Fulgent Genetics
Classification: Uncertain significance for Acute myeloid leukemia; Deafness-lymphedema-leukemia syndrome; Monocytopenia with susceptibility to infections; Myelodysplastic syndrome. Last evaluated: 2022-03-01. Review status: criteria provided, single submitter. Criteria: ACMG Guidelines, 2015. Collection method: clinical testing. Allele origin: unknown.